The following is an entry in ClinVar:

NM_005502.4(ABCA1):c.6747T>C (p.Ser2249=)

Genes: ABCA1 (ATP binding cassette subfamily A member 1; minus strand), NIPSNAP3B (nipsnap homolog 3B; plus strand). Cytogenetic location: 9q31.1.
Variant type: single nucleotide variant.
Coding change: c.6747T>C on transcript NM_005502.4 (MANE Select); coding-DNA position 6747, T replaced by C.
Protein change: p.Ser2249=; no amino-acid change (serine 2249 retained).
Molecular consequence: synonymous variant.
Genome position (GRCh38, 1-based): chr9:104,784,354, A>G on the plus strand (T>C on the coding strand, the complement: ABCA1 is on the minus strand). VCF-style: chr9-104784354-A-G. GRCh37 (hg19) VCF-style: chr9-107546635-A-G.
Identifiers: ClinVar variation 1655975 (VCV001655975.11), dbSNP rs375203349, ClinGen allele CA5167470.

ClinVar aggregate classification (germline): Likely benign. Review status: criteria provided, multiple submitters, no conflicts (2 of 4 stars). 3 submissions from 3 submitters: Likely benign (3). Last evaluated 2026-01-07.

Conditions:
ABCA1-related disorder. Also called: ABCA1-related disorders; ABCA1-related condition. Identifiers: MedGen CN239173.
Cardiovascular phenotype. Identifiers: MedGen CN230736.

Allele frequency attached by ClinVar (database versions not stated): ExAC 0.00001; gnomAD exomes 0.00001 and 0.00006; gnomAD 0.00003 and 0.00004; TOPMed 0.00004; ESP Exome Variant Server 0.00008.
gnomAD v4.1: 96 of 1,613,980 alleles (0.0059%); highest among the groups gnomAD compares: Non-Finnish European, 0.0079%; no homozygotes.

Submissions (3):

PreventionGenetics, part of Exact Sciences
Classification: Likely benign for ABCA1-related condition. Last evaluated: 2026-01-07. Review status: criteria provided, single submitter. Criteria: ACMG Guidelines, 2015. Collection method: clinical testing. Allele origin: germline.
Comment: This variant is classified as likely benign based on ACMG/AMP sequence variant interpretation guidelines (Richards et al. 2015 PMID: 25741868, with internal and published modifications).

Labcorp Genetics (formerly Invitae), Labcorp
Classification: Likely benign. Last evaluated: 2021-11-08. Review status: criteria provided, single submitter. Criteria: Invitae Variant Classification Sherloc (09022015). Collection method: clinical testing. Allele origin: germline.

Ambry Genetics
Classification: Likely benign for Cardiovascular phenotype. Last evaluated: 2019-07-18. Review status: criteria provided, single submitter. Criteria: Ambry Variant Classification Scheme 2023. Collection method: clinical testing. Allele origin: germline.